The following is an entry in ClinVar:

NM_032043.3(BRIP1):c.215C>A (p.Ala72Glu)

Gene: BRIP1 (BRCA1 interacting DNA helicase 1; minus strand). Cytogenetic location: 17q23.2.
Variant type: single nucleotide variant.
Coding change: c.215C>A on transcript NM_032043.3 (MANE Select); coding-DNA position 215, C replaced by A.
Protein change: p.Ala72Glu; replaces alanine 72 with glutamic acid.
Molecular consequence: missense variant.
Genome position (GRCh38, 1-based): chr17:61,857,222, G>T on the plus strand (C>A on the coding strand, the complement: BRIP1 is on the minus strand). VCF-style: chr17-61857222-G-T. GRCh37 (hg19) VCF-style: chr17-59934583-G-T.
Other names: short protein forms A72E.
Identifiers: ClinVar variation 926892 (VCV000926892.16), dbSNP rs2078910927, ClinGen allele CA400485614.

ClinVar aggregate classification (germline): Uncertain significance. Review status: criteria provided, multiple submitters, no conflicts (2 of 4 stars). 3 submissions from 3 submitters: Uncertain significance (3). Last evaluated 2024-11-05.

Conditions:
Fanconi anemia complementation group J. Also called: BRIP1-Related Fanconi Anemia. Identifiers: Orphanet 84, MedGen C1836860, MONDO:0012187, OMIM 609054.
Familial cancer of breast. Also called: BREAST CANCER, FAMILIAL; hereditary breast carcinoma; Hereditary breast cancer. Identifiers: Orphanet 227535, MedGen C0346153, MONDO:0016419, OMIM 114480. Disease mechanism: loss of function.
Hereditary cancer-predisposing syndrome. Also called: Tumor predisposition; Hereditary neoplastic syndrome; Neoplastic Syndromes, Hereditary; Hereditary Cancer Syndrome. Identifiers: Orphanet 140162, MedGen C0027672, MeSH D009386, MONDO:0015356.

Allele frequency attached by ClinVar (database versions not stated): gnomAD exomes below 0.00001.
gnomAD v4.1: 2 of 1,613,180 alleles (0.00012%); highest among the groups gnomAD compares: Non-Finnish European, 0.00017%; no homozygotes.

Submissions (3):

Ambry Genetics
Classification: Uncertain significance for Hereditary cancer-predisposing syndrome. Last evaluated: 2024-11-05. Review status: criteria provided, single submitter. Criteria: Ambry Variant Classification Scheme 2023. Collection method: clinical testing. Allele origin: germline.
Comment: The p.A72E variant (also known as c.215C>A), located in coding exon 3 of the BRIP1 gene, results from a C to A substitution at nucleotide position 215. The alanine at codon 72 is replaced by glutamic acid, an amino acid with dissimilar properties. This amino acid position is conserved. In addition, this alteration is predicted to be tolerated by in silico analysis. Based on the available evidence, the clinical significance of this variant remains unclear.

Labcorp Genetics (formerly Invitae), Labcorp
Classification: Uncertain significance for Familial cancer of breast; Fanconi anemia complementation group J. Last evaluated: 2024-09-26. Review status: criteria provided, single submitter. Criteria: Invitae Variant Classification Sherloc (09022015). Collection method: clinical testing. Allele origin: germline.
Comment: This sequence change replaces alanine, which is neutral and non-polar, with glutamic acid, which is acidic and polar, at codon 72 of the BRIP1 protein (p.Ala72Glu). This variant is not present in population databases (gnomAD no frequency). This variant has not been reported in the literature in individuals affected with BRIP1-related conditions. ClinVar contains an entry for this variant (Variation ID: 926892). Invitae Evidence Modeling of protein sequence and biophysical properties (such as structural, functional, and spatial information, amino acid conservation, physicochemical variation, residue mobility, and thermodynamic stability) indicates that this missense variant is not expected to disrupt BRIP1 protein function with a negative predictive value of 80%. In summary, the available evidence is currently insufficient to determine the role of this variant in disease. Therefore, it has been classified as a Variant of Uncertain Significance.

Color Diagnostics, LLC DBA Color Health
Classification: Uncertain significance for Hereditary cancer-predisposing syndrome. Last evaluated: 2023-12-05. Review status: criteria provided, single submitter. Criteria: ACMG Guidelines, 2015. Collection method: clinical testing. Allele origin: germline.
Comment: This missense variant replaces alanine with glutamic acid at codon 72 of the BRIP1 protein. Computational prediction suggests that this variant may not impact protein structure and function (internally defined REVEL score threshold <= 0.5, PMID: 27666373). To our knowledge, functional studies have not been reported for this variant. This variant has not been reported in individuals affected with BRIP1-related disorders in the literature. This variant has not been identified in the general population by the Genome Aggregation Database (gnomAD). The available evidence is insufficient to determine the role of this variant in disease conclusively. Therefore, this variant is classified as a Variant of Uncertain Significance.